The following is an entry in ClinVar:

NM_017882.3(CLN6):c.343G>A (p.Val115Met)

Gene: CLN6 (CLN6 transmembrane ER protein; minus strand). Cytogenetic location: 15q23.
Variant type: single nucleotide variant.
Coding change: c.343G>A on transcript NM_017882.3 (MANE Select); coding-DNA position 343, G replaced by A.
Protein change: p.Val115Met; replaces valine 115 with methionine.
Molecular consequence: missense variant.
Genome position (GRCh38, 1-based): chr15:68,211,818, C>T on the plus strand (G>A on the coding strand, the complement: CLN6 is on the minus strand). VCF-style: chr15-68211818-C-T. GRCh37 (hg19) VCF-style: chr15-68504156-C-T.
Other names: short protein forms V115M.
Identifiers: ClinVar variation 1216210 (VCV001216210.9), dbSNP rs762232673, ClinGen allele CA7630619.

ClinVar aggregate classification (germline): Uncertain significance. Review status: criteria provided, multiple submitters, no conflicts (2 of 4 stars). 2 submissions from 2 submitters: Uncertain significance (2). Last evaluated 2024-09-06.

Conditions:
Neuronal ceroid lipofuscinosis. Also called: Neuronal Ceroid Lipofuscinoses. Identifiers: Orphanet 216, Orphanet 79263, MedGen C0027877, MONDO:0016295. Disease mechanism: loss of function.

Allele frequency attached by ClinVar (database versions not stated): gnomAD exomes 0.00001 and 0.00002; TOPMed 0.00001; ExAC 0.00002; gnomAD 0.00002.
gnomAD v4.1: 14 of 1,613,844 alleles (0.00087%); highest among the groups gnomAD compares: Admixed American, 0.005%; no homozygotes.

Submissions (2):

Labcorp Genetics (formerly Invitae), Labcorp
Classification: Uncertain significance for Neuronal ceroid lipofuscinosis. Last evaluated: 2024-09-06. Review status: criteria provided, single submitter. Criteria: Invitae Variant Classification Sherloc (09022015). Collection method: clinical testing. Allele origin: germline.
Comment: This sequence change replaces valine, which is neutral and non-polar, with methionine, which is neutral and non-polar, at codon 115 of the CLN6 protein (p.Val115Met). This variant is present in population databases (rs762232673, gnomAD 0.008%). This variant has not been reported in the literature in individuals affected with CLN6-related conditions. ClinVar contains an entry for this variant (Variation ID: 1216210). Invitae Evidence Modeling of protein sequence and biophysical properties (such as structural, functional, and spatial information, amino acid conservation, physicochemical variation, residue mobility, and thermodynamic stability) indicates that this missense variant is not expected to disrupt CLN6 protein function with a negative predictive value of 80%. In summary, the available evidence is currently insufficient to determine the role of this variant in disease. Therefore, it has been classified as a Variant of Uncertain Significance.

GeneDx
Classification: Uncertain significance. Last evaluated: 2020-12-22. Review status: criteria provided, single submitter. Criteria: GeneDx Variant Classification Process June 2021. Collection method: clinical testing. Allele origin: germline. Affected: yes.
Comment: Not observed at a significant frequency in large population cohorts (Lek et al., 2016); In silico analysis supports that this missense variant does not alter protein structure/function; Has not been previously published as pathogenic or benign to our knowledge